The following is an entry in ClinVar:

NM_138927.4(SON):c.5970T>C (p.Arg1990=)

Gene: SON (SON DNA and RNA binding protein; plus strand). Cytogenetic location: 21q22.11.
Variant type: single nucleotide variant.
Coding change: c.5970T>C on transcript NM_138927.4 (MANE Select); coding-DNA position 5970, T replaced by C.
Protein change: p.Arg1990=; no amino-acid change (arginine 1990 retained).
Molecular consequence: synonymous variant. On other transcripts: non-coding transcript variant (1), intron variant (1).
Genome position (GRCh38, 1-based): chr21:33,555,201, T>C. VCF-style: chr21-33555201-T-C. GRCh37 (hg19) VCF-style: chr21-34927507-T-C.
Other names: c.5970T>C, p.Arg1990= (NM_001291411.2, NM_032195.3); c.245-1955T>C (NM_001291412.3); c.5970T>C (NM_138927.2).
Identifiers: ClinVar variation 790893 (VCV000790893.27), dbSNP rs528498338, ClinGen allele CA10009856.
Genomic context (GRCh38, chr21:33,555,201, plus strand): 5'-CAGCCGCACCCCCAGCCGCCGCAGCCGCACCCCCAGCCGCCGGAGCCGCACCCCTAGCCG[T>C]CGGAGCCGCACCCCAAGCCGCCGGAGAAGATCAAGGTCTGTGGTAAGAAGACGAAGCTTC-3'
Protein context (NP_620305.3, residues 1980-2000): TPSRRSRTPS[Arg1990=]RSRTPSRRRR

ClinVar aggregate classification (germline): Likely benign. Review status: criteria provided, multiple submitters, no conflicts (2 of 4 stars). 5 submissions from 5 submitters: Likely benign (4). 1 of the submissions does not count toward it. Last evaluated 2026-09-01.

Conditions:
SON-related disorder. Also called: SON-related condition.

Allele frequency attached by ClinVar (database versions not stated): gnomAD exomes 0.00008 and 0.00010; ExAC 0.00030; 1000 Genomes Project 0.00040; gnomAD 0.00069 and 0.00071.
gnomAD v4.1: 229 of 1,565,592 alleles (0.015%); highest among the groups gnomAD compares: Admixed American, 0.11%; 2 homozygotes.

Submissions (5):

CeGaT Center for Human Genetics Tuebingen
Classification: Likely benign. Last evaluated: 2026-09-01. Review status: criteria provided, single submitter. Criteria: CeGaT Center For Human Genetics Tuebingen Variant Classification Criteria Version 2. Collection method: clinical testing. Allele origin: germline. Affected: yes. Observed: 3 variant alleles.
Comment: SON: BP4, BP7, BS1

Labcorp Genetics (formerly Invitae), Labcorp
Classification: Likely benign. Last evaluated: 2026-01-09. Review status: criteria provided, single submitter. Criteria: Invitae Variant Classification Sherloc (09022015). Collection method: clinical testing. Allele origin: germline.

Blueprint Genetics
Classification: Likely benign. Last evaluated: 2024-07-15. Review status: criteria provided, single submitter. Criteria: ACMG Guidelines, 2015. Collection method: clinical testing. Allele origin: germline.

Breakthrough Genomics
Classification: Likely benign. Review status: criteria provided, single submitter. Criteria: ACMG Guidelines, 2015. Collection method: not provided. Allele origin: germline. Inheritance: Autosomal dominant inheritance. Affected: yes.

PreventionGenetics, part of Exact Sciences
Classification: Likely benign for SON-related condition. Last evaluated: 2023-11-22. Review status: no assertion criteria provided. Collection method: clinical testing. Allele origin: germline. Not counted in ClinVar's aggregate classification.
Comment: This variant is classified as likely benign based on ACMG/AMP sequence variant interpretation guidelines (Richards et al. 2015 PMID: 25741868, with internal and published modifications).